The following is an entry in ClinVar:

NM_015057.5(MYCBP2):c.2553T>G (p.Ile851Met)

Gene: MYCBP2 (MYC binding protein 2; minus strand). Cytogenetic location: 13q22.3.
Variant type: single nucleotide variant.
Coding change: c.2553T>G on transcript NM_015057.5 (MANE Select); coding-DNA position 2553, T replaced by G.
Protein change: p.Ile851Met; replaces isoleucine 851 with methionine.
Molecular consequence: missense variant.
Genome position (GRCh38, 1-based): chr13:77,243,135, A>C on the plus strand (T>G on the coding strand, the complement: MYCBP2 is on the minus strand). VCF-style: chr13-77243135-A-C. GRCh37 (hg19) VCF-style: chr13-77817270-A-C.
Other names: short protein forms I851M.
Identifiers: ClinVar variation 3345221 (VCV003345221.1).

ClinVar aggregate classification (germline): Uncertain significance (0 of 4 stars; one submission).

Conditions:
MYCBP2-related disorder. Also called: MYCBP2-related condition.

Submission:

PreventionGenetics, part of Exact Sciences
Classification: Uncertain significance for MYCBP2-related condition. Last evaluated: 2024-08-06. Review status: no assertion criteria provided. Collection method: clinical testing. Allele origin: germline.
Comment: The MYCBP2 c.2553T>G variant is predicted to result in the amino acid substitution p.Ile851Met. To our knowledge, this variant has not been reported in the literature or in a large population database, indicating this variant is rare. At this time, the clinical significance of this variant is uncertain due to the absence of conclusive functional and genetic evidence.